The following is an entry in ClinVar:

NM_001199397.3(NEK1):c.3069C>G (p.His1023Gln)

Gene: NEK1 (NIMA related kinase 1; minus strand). Cytogenetic location: 4q33.
Variant type: single nucleotide variant.
Coding change: c.3069C>G on transcript NM_001199397.3 (MANE Select); coding-DNA position 3069, C replaced by G.
Protein change: p.His1023Gln; replaces histidine 1023 with glutamine.
Molecular consequence: missense variant. On other transcripts: non-coding transcript variant (1).
Genome position (GRCh38, 1-based): chr4:169,424,706, G>C on the plus strand (C>G on the coding strand, the complement: NEK1 is on the minus strand). VCF-style: chr4-169424706-G-C. GRCh37 (hg19) VCF-style: chr4-170345857-G-C.
Other names: c.2937C>G, p.His979Gln (NM_001199398.3); c.2778C>G, p.His926Gln (NM_001199399.3); c.2853C>G, p.His951Gln (NM_001199400.3); c.3069C>G, p.His1023Gln (NM_001374418.1); c.2985C>G, p.His995Gln (NM_001374419.1, NM_012224.4); c.2934C>G, p.His978Gln (NM_001374420.1); c.2586C>G, p.His862Gln (NM_001374421.1); c.2892C>G, p.His964Gln (NM_001440620.1); and 5 more; short protein forms H1023Q, H744Q, H788Q, H862Q, H892Q, H920Q, H926Q, H936Q.
Identifiers: ClinVar variation 4074423 (VCV004074423.1).

ClinVar aggregate classification (germline): Uncertain significance (1 of 4 stars; one submission).

gnomAD v4.1: 13 of 1,613,856 alleles (0.00081%); highest among the groups gnomAD compares: East Asian, 0.0089%; no homozygotes.

Submission:

GeneDx
Classification: Uncertain significance. Last evaluated: 2025-02-10. Review status: criteria provided, single submitter. Criteria: GeneDx Variant Classification Process June 2021. Collection method: clinical testing. Allele origin: germline. Affected: yes.
Comment: Not observed at significant frequency in large population cohorts (gnomAD); In silico analysis indicates that this missense variant does not alter protein structure/function; This variant is associated with the following publications: (PMID: 36443167)